The following is an entry in ClinVar:

NM_022489.4(INF2):c.2700C>T (p.Asp900=)

Gene: INF2 (inverted formin 2; plus strand). Cytogenetic location: 14q32.33.
Variant type: single nucleotide variant.
Coding change: c.2700C>T on transcript NM_022489.4 (MANE Select); coding-DNA position 2700, C replaced by T.
Protein change: p.Asp900=; no amino-acid change (aspartic acid 900 retained).
Molecular consequence: synonymous variant. On other transcripts: non-coding transcript variant (1).
Genome position (GRCh38, 1-based): chr14:104,712,917, C>T. VCF-style: chr14-104712917-C-T. GRCh37 (hg19) VCF-style: chr14-105179254-C-T.
Other names: c.2700C>T, p.Asp900= (NM_001031714.4, NM_001426862.1, NM_001426863.1 and 2 more transcripts).
Identifiers: ClinVar variation 4982440 (VCV004982440.1).

ClinVar aggregate classification (germline): Likely benign (1 of 4 stars; one submission).

Conditions:
INF2-related disorder. Also called: INF2-related condition.

gnomAD v4.1: 4 of 1,612,602 alleles (0.00025%); highest among the groups gnomAD compares: African/African-American, 0.0013%; no homozygotes.

Submission:

PreventionGenetics, part of Exact Sciences
Classification: Likely benign for INF2-related condition. Last evaluated: 2025-11-04. Review status: criteria provided, single submitter. Criteria: ACMG Guidelines, 2015. Collection method: clinical testing. Allele origin: germline.
Comment: This variant is classified as likely benign based on ACMG/AMP sequence variant interpretation guidelines (Richards et al. 2015 PMID: 25741868, with internal and published modifications).